The following is an entry in ClinVar:

NM_006767.4(LZTR1):c.2444_2449del (p.Gln815_Leu816del)

Gene: LZTR1 (leucine zipper like post translational regulator 1; plus strand). Cytogenetic location: 22q11.21.
Variant type: Deletion.
Coding change: c.2444_2449del on transcript NM_006767.4 (MANE Select); coding-DNA positions 2444 to 2449, 6 bases deleted (AGCTGC; older notation c.2444_2449delAGCTGC).
Protein change: p.Gln815_Leu816del.
Genome position (GRCh38, 1-based): chr22:20,997,269-20,997,274, AGCTGC deleted; deleting any 6 consecutive bases within chr22:20,997,267-20,997,274 gives the same sequence; the c. name uses the placement nearest the transcript's 3' end. VCF-style (leftmost placement, unchanged base first): chr22-20997266-AGCAGCT-A. GRCh37 (hg19) VCF-style: chr22-21351555-AGCAGCT-A.
Identifiers: ClinVar variation 5023777 (VCV005023777.1).

ClinVar aggregate classification (germline): Uncertain significance (1 of 4 stars; one submission).

Conditions:
Cardiovascular phenotype. Identifiers: MedGen CN230736.
Hereditary cancer-predisposing syndrome. Also called: Neoplastic Syndromes, Hereditary; Tumor predisposition; Hereditary neoplastic syndrome; Hereditary Cancer Syndrome. Identifiers: Orphanet 140162, MedGen C0027672, MeSH D009386, MONDO:0015356.

Submission:

Ambry Genetics
Classification: Uncertain significance for Cardiovascular phenotype; Hereditary cancer-predisposing syndrome. Last evaluated: 2026-07-31. Review status: criteria provided, single submitter. Criteria: Ambry Variant Classification Scheme 2023. Collection method: clinical testing. Allele origin: germline.
Comment: The c.2444_2449delAGCTGC variant (also known as p.Q815_L816del) is located in coding exon 21 of the LZTR1 gene. This variant results from an in-frame AGCTGC deletion at nucleotide positions 2444 to 2449. This results in the in-frame deletion of two amino acids at codons 815 and 816. This amino acid region is not well conserved in available vertebrate species. In addition, this variant is predicted to be deleterious by in silico analysis (Choi Y et al. PLoS ONE. 2012; 7(10):e46688). Based on the available evidence, the clinical significance of this variant remains unclear.